The following is an entry in ClinVar:

NM_000065.5(C6):c.542C>T (p.Thr181Ile)

Gene: C6 (complement C6; minus strand). Cytogenetic location: 5p13.1.
Variant type: single nucleotide variant.
Coding change: c.542C>T on transcript NM_000065.5 (MANE Select); coding-DNA position 542, C replaced by T.
Protein change: p.Thr181Ile; replaces threonine 181 with isoleucine.
Molecular consequence: missense variant.
Genome position (GRCh38, 1-based): chr5:41,195,837, G>A on the plus strand (C>T on the coding strand, the complement: C6 is on the minus strand). VCF-style: chr5-41195837-G-A. GRCh37 (hg19) VCF-style: chr5-41195939-G-A.
Other names: c.542C>T, p.Thr181Ile (NM_001115131.4); short protein forms T181I.
Identifiers: ClinVar variation 377318 (VCV000377318.38), dbSNP rs114609505, ClinGen allele CA3252753.
Genomic context (GRCh38, chr5:41,195,837, plus strand): 5'-AAAGATGTTACATACCCATTGCCCATCAACTGTACACTAGGGATGGGATTATACTTCCGT[G>A]TGCATACTGCCTTTGTCCTCCCACAGTCCCTTTCATCTGAATTGTCTCCACAGTCATTTT-3'
Protein context (NP_000056.2, residues 171-191): RDCGRTKAVC[Thr181Ile]RKYNPIPSVQ

ClinVar aggregate classification (germline): Benign/Likely benign. Review status: criteria provided, multiple submitters, no conflicts (2 of 4 stars). 6 submissions from 6 submitters: Benign (1); Likely benign (4). 1 of the submissions does not count toward it. Last evaluated 2026-02-02.

Conditions:
Complement component 6 deficiency (C6D). Also called: C6 DEFICIENCY. Identifiers: MedGen C2676232, MONDO:0012908, OMIM 612446.
C6-related disorder. Also called: C6-related condition.

Allele frequency attached by ClinVar (database versions not stated): 1000 Genomes Project 0.00180; 1000 Genomes Project 30x 0.00187; TOPMed 0.00396; gnomAD 0.00515 and 0.00539; ESP Exome Variant Server 0.00569; gnomAD exomes 0.00599; ExAC 0.00673.

Submissions (6):

Labcorp Genetics (formerly Invitae), Labcorp
Classification: Benign. Last evaluated: 2026-02-02. Review status: criteria provided, single submitter. Criteria: Invitae Variant Classification Sherloc (09022015). Collection method: clinical testing. Allele origin: germline.

CeGaT Center for Human Genetics Tuebingen
Classification: Likely benign. Last evaluated: 2025-04-01. Review status: criteria provided, single submitter. Criteria: CeGaT Center For Human Genetics Tuebingen Variant Classification Criteria Version 2. Collection method: clinical testing. Allele origin: germline. Affected: yes. Observed: 4 variant alleles.
Comment: C6: BP4, BS2

Fulgent Genetics
Classification: Likely benign for Complement component 6 deficiency. Last evaluated: 2021-10-21. Review status: criteria provided, single submitter. Criteria: ACMG Guidelines, 2015. Collection method: clinical testing. Allele origin: unknown.

Center for Pediatric Genomic Medicine, Children's Mercy Hospital and Clinics
Classification: Likely benign. Last evaluated: 2016-11-02. Review status: criteria provided, single submitter. Criteria: ACMG Guidelines, 2015. Collection method: clinical testing. Allele origin: germline.
ClinVar note: Converted during submission from Likely Benign to Likely benign.

Breakthrough Genomics
Classification: Likely benign. Review status: criteria provided, single submitter. Criteria: ACMG Guidelines, 2015. Collection method: not provided. Allele origin: germline. Inheritance: Autosomal recessive inheritance. Affected: yes.

PreventionGenetics, part of Exact Sciences
Classification: Likely benign for C6-related condition. Last evaluated: 2022-05-18. Review status: no assertion criteria provided. Collection method: clinical testing. Allele origin: germline. Not counted in ClinVar's aggregate classification.
Comment: This variant is classified as likely benign based on ACMG/AMP sequence variant interpretation guidelines (Richards et al. 2015 PMID: 25741868, with internal and published modifications).